The following is an entry in ClinVar:

ClinVar aggregate classification (germline): Uncertain significance (1 of 4 stars; one submission).

Allele frequency attached by ClinVar (database versions not stated): gnomAD exomes 0.00001.
gnomAD v4.1: 1 of 1,562,790 alleles (0.000064%); highest among the groups gnomAD compares: Admixed American, 0.0019%; no homozygotes.

Submission:

Labcorp Genetics (formerly Invitae), Labcorp
Classification: Uncertain significance. Last evaluated: 2022-01-13. Review status: criteria provided, single submitter. Criteria: Invitae Variant Classification Sherloc (09022015). Collection method: clinical testing. Allele origin: germline.
Comment: This variant has not been reported in the literature in individuals affected with SLC30A10-related conditions. This variant is present in population databases (no rsID available, gnomAD 0.004%). This sequence change replaces alanine, which is neutral and non-polar, with glycine, which is neutral and non-polar, at codon 100 of the SLC30A10 protein (p.Ala100Gly). Algorithms developed to predict the effect of missense changes on protein structure and function are either unavailable or do not agree on the potential impact of this missense change (SIFT: "Deleterious"; PolyPhen-2: "Possibly Damaging"; Align-GVGD: "Class C0"). In summary, the available evidence is currently insufficient to determine the role of this variant in disease. Therefore, it has been classified as a Variant of Uncertain Significance.

NM_018713.3(SLC30A10):c.299C>G (p.Ala100Gly)

Gene: SLC30A10 (solute carrier family 30 member 10; minus strand). Cytogenetic location: 1q41.
Variant type: single nucleotide variant.
Coding change: c.299C>G on transcript NM_018713.3 (MANE Select); coding-DNA position 299, C replaced by G.
Protein change: p.Ala100Gly; replaces alanine 100 with glycine.
Molecular consequence: missense variant. On other transcripts: non-coding transcript variant (1), intron variant (1).
Genome position (GRCh38, 1-based): chr1:219,928,142, G>C on the plus strand (C>G on the coding strand, the complement: SLC30A10 is on the minus strand). VCF-style: chr1-219928142-G-C. GRCh37 (hg19) VCF-style: chr1-220101484-G-C.
Other names: c.452-1037C>G (NM_001376929.1); short protein forms A100G.
Identifiers: ClinVar variation 1440777 (VCV001440777.6), dbSNP rs1421740272, ClinGen allele CA344733914.